The following is an entry in ClinVar:

NM_018192.4(P3H2):c.1058T>A (p.Leu353Gln)

Gene: P3H2 (prolyl 3-hydroxylase 2; minus strand). Cytogenetic location: 3q28.
Variant type: single nucleotide variant.
Coding change: c.1058T>A on transcript NM_018192.4 (MANE Select); coding-DNA position 1058, T replaced by A.
Protein change: p.Leu353Gln; replaces leucine 353 with glutamine.
Molecular consequence: missense variant.
Genome position (GRCh38, 1-based): chr3:189,987,567, A>T on the plus strand (T>A on the coding strand, the complement: P3H2 is on the minus strand). VCF-style: chr3-189987567-A-T. GRCh37 (hg19) VCF-style: chr3-189705356-A-T.
Other names: c.515T>A, p.Leu172Gln (NM_001134418.2); short protein forms L353Q, L172Q.
Identifiers: ClinVar variation 1351771 (VCV001351771.6), dbSNP rs116315439, ClinGen allele CA2753129.

ClinVar aggregate classification (germline): Uncertain significance (1 of 4 stars; one submission).

Allele frequency attached by ClinVar (database versions not stated): gnomAD exomes below 0.00001 and 0.00001; ExAC 0.00002; gnomAD 0.00004 and 0.00005; ESP Exome Variant Server 0.00008; TOPMed 0.00008; 1000 Genomes Project 30x 0.00016; 1000 Genomes Project 0.00020.
gnomAD v4.1: 17 of 1,614,054 alleles (0.0011%); highest among the groups gnomAD compares: African/African-American, 0.015%; no homozygotes.

Submission:

Labcorp Genetics (formerly Invitae), Labcorp
Classification: Uncertain significance. Last evaluated: 2022-07-19. Review status: criteria provided, single submitter. Criteria: Invitae Variant Classification Sherloc (09022015). Collection method: clinical testing. Allele origin: germline.
Comment: This sequence change replaces leucine, which is neutral and non-polar, with glutamine, which is neutral and polar, at codon 353 of the P3H2 protein (p.Leu353Gln). This variant is present in population databases (rs116315439, gnomAD 0.02%). In summary, the available evidence is currently insufficient to determine the role of this variant in disease. Therefore, it has been classified as a Variant of Uncertain Significance. This variant has not been reported in the literature in individuals affected with P3H2-related conditions. ClinVar contains an entry for this variant (Variation ID: 1351771). Algorithms developed to predict the effect of missense changes on protein structure and function are either unavailable or do not agree on the potential impact of this missense change (SIFT: "Deleterious"; PolyPhen-2: "Probably Damaging"; Align-GVGD: "Class C0").